The following is an entry in ClinVar:

NM_020937.4(FANCM):c.3853C>A (p.His1285Asn)

Gene: FANCM (FA complementation group M; plus strand). Cytogenetic location: 14q21.2.
Variant type: single nucleotide variant.
Coding change: c.3853C>A on transcript NM_020937.4 (MANE Select); coding-DNA position 3853, C replaced by A.
Protein change: p.His1285Asn; replaces histidine 1285 with asparagine.
Molecular consequence: missense variant.
Genome position (GRCh38, 1-based): chr14:45,176,607, C>A. VCF-style: chr14-45176607-C-A. GRCh37 (hg19) VCF-style: chr14-45645810-C-A.
Other names: c.3775C>A, p.His1259Asn (NM_001308133.2); short protein forms H1285N, H1259N.
Identifiers: ClinVar variation 3572441 (VCV003572441.1).
Genomic context (GRCh38, chr14:45,176,607, plus strand): 5'-GAAATTAAGGAGATAAGTGATGCAAATTATGTTTCGAATCAAGCACTAATACCAAGAGAT[C>A]ATAGTAAAAATTTTACTAGTGGAACTGTTATTATCCCATCAAATGAAGATATGCAGAATC-3'
Protein context (NP_065988.1, residues 1275-1295): VSNQALIPRD[His1285Asn]SKNFTSGTVI

ClinVar aggregate classification (germline): Uncertain significance (1 of 4 stars; one submission).

Submission:

GeneDx
Classification: Uncertain significance. Last evaluated: 2024-07-12. Review status: criteria provided, single submitter. Criteria: GeneDx Variant Classification Process June 2021. Collection method: clinical testing. Allele origin: germline. Affected: yes.
Comment: Not observed at significant frequency in large population cohorts (gnomAD); In silico analysis supports that this missense variant has a deleterious effect on protein structure/function; Has not been previously published as pathogenic or benign to our knowledge